The following is an entry in ClinVar:

ClinVar aggregate classification (germline): Uncertain significance (0 of 4 stars; one submission).

Conditions:
PSMD12-related disorder. Also called: PSMD12-related condition.

Submission:

PreventionGenetics, part of Exact Sciences
Classification: Uncertain significance for PSMD12-related condition. Last evaluated: 2023-10-19. Review status: no assertion criteria provided. Collection method: clinical testing. Allele origin: germline.
Comment: The PSMD12 c.1189G>C variant is predicted to result in the amino acid substitution p.Val397Leu. To our knowledge, this variant has not been reported in the literature or in a large population database, indicating this variant is rare. At this time, the clinical significance of this variant is uncertain due to the absence of conclusive functional and genetic evidence.

NM_002816.5(PSMD12):c.1189G>C (p.Val397Leu)

Gene: PSMD12 (proteasome 26S subunit, non-ATPase 12; minus strand). Cytogenetic location: 17q24.2.
Variant type: single nucleotide variant.
Coding change: c.1189G>C on transcript NM_002816.5 (MANE Select); coding-DNA position 1189, G replaced by C.
Protein change: p.Val397Leu; replaces valine 397 with leucine.
Molecular consequence: missense variant.
Genome position (GRCh38, 1-based): chr17:67,341,025, C>G on the plus strand (G>C on the coding strand, the complement: PSMD12 is on the minus strand). VCF-style: chr17-67341025-C-G. GRCh37 (hg19) VCF-style: chr17-65337141-C-G.
Other names: c.1012G>C, p.Val338Leu (NM_001316341.2); c.1129G>C, p.Val377Leu (NM_174871.4); short protein forms V338L, V377L, V397L.
Identifiers: ClinVar variation 3031355 (VCV003031355.2), dbSNP rs2509678218, ClinGen allele CA400803499.